The following is an entry in ClinVar:

ClinVar aggregate classification (germline): Likely benign (0 of 4 stars; one submission).

Conditions:
COL15A1-related disorder. Also called: COL15A1-related condition.

Allele frequency attached by ClinVar (database versions not stated): ExAC 0.00047; TOPMed 0.00047; gnomAD 0.00050; ESP Exome Variant Server 0.00054; gnomAD exomes 0.00080.
gnomAD v4.1: 1,238 of 1,614,040 alleles (0.077%); highest among the groups gnomAD compares: Non-Finnish European, 0.092%; 1 homozygote.

Submission:

PreventionGenetics, part of Exact Sciences
Classification: Likely benign for COL15A1-related condition. Last evaluated: 2019-10-28. Review status: no assertion criteria provided. Collection method: clinical testing. Allele origin: germline.
Comment: This variant is classified as likely benign based on ACMG/AMP sequence variant interpretation guidelines (Richards et al. 2015 PMID: 25741868, with internal and published modifications).

NM_001855.5(COL15A1):c.2484C>T (p.Asp828=)

Gene: COL15A1 (collagen type XV alpha 1 chain; plus strand). Cytogenetic location: 9q22.33.
Variant type: single nucleotide variant.
Coding change: c.2484C>T on transcript NM_001855.5 (MANE Select); coding-DNA position 2484, C replaced by T.
Protein change: p.Asp828=; no amino-acid change (aspartic acid 828 retained).
Molecular consequence: synonymous variant.
Genome position (GRCh38, 1-based): chr9:99,040,529, C>T. VCF-style: chr9-99040529-C-T. GRCh37 (hg19) VCF-style: chr9-101802811-C-T.
Identifiers: ClinVar variation 3044650 (VCV003044650.2), dbSNP rs146647282, ClinGen allele CA5155412.